The following is an entry in ClinVar:

NM_001040142.2(SCN2A):c.4557A>G (p.Lys1519=)

Gene: SCN2A (sodium voltage-gated channel alpha subunit 2; plus strand). Cytogenetic location: 2q24.3.
Variant type: single nucleotide variant.
Coding change: c.4557A>G on transcript NM_001040142.2 (MANE Select); coding-DNA position 4557, A replaced by G.
Protein change: p.Lys1519=; no amino-acid change (lysine 1519 retained).
Molecular consequence: synonymous variant.
Genome position (GRCh38, 1-based): chr2:165,386,751, A>G. VCF-style: chr2-165386751-A-G. GRCh37 (hg19) VCF-style: chr2-166243261-A-G.
Other names: c.4557A>G, p.Lys1519= (NM_001040143.2, NM_001371246.1, NM_001371247.1 and 1 more transcripts).
Identifiers: ClinVar variation 705400 (VCV000705400.32), dbSNP rs1574746483, ClinGen allele CA429972410.

ClinVar aggregate classification (germline): Likely benign. Review status: criteria provided, multiple submitters, no conflicts (2 of 4 stars). 2 submissions from 2 submitters: Likely benign (2). Last evaluated 2024-04-08.

Conditions:
Developmental and epileptic encephalopathy, 11 (DEE11). Also called: Early infantile epileptic encephalopathy 11. Identifiers: Orphanet 1934, MedGen C3150987, MONDO:0013388, OMIM 613721.
Seizures, benign familial infantile, 3 (BFIS3). Also called: CONVULSIONS, BENIGN FAMILIAL INFANTILE, 3; Familial neonatal seizures. Identifiers: Orphanet 140927, Orphanet 306, MedGen C1843140, MONDO:0011904, OMIM 607745.

Allele frequency attached by ClinVar (database versions not stated): TOPMed below 0.00001; gnomAD exomes 0.00001.
gnomAD v4.1: 3 of 1,613,300 alleles (0.00019%); highest among the groups gnomAD compares: Non-Finnish European, 0.00025%; no homozygotes.

Submissions (2):

Labcorp Genetics (formerly Invitae), Labcorp
Classification: Likely benign for Seizures, benign familial infantile, 3; Developmental and epileptic encephalopathy, 11. Last evaluated: 2024-04-08. Review status: criteria provided, single submitter. Criteria: Invitae Variant Classification Sherloc (09022015). Collection method: clinical testing. Allele origin: germline.

CeGaT Center for Human Genetics Tuebingen
Classification: Likely benign. Last evaluated: 2023-10-01. Review status: criteria provided, single submitter. Criteria: CeGaT Center For Human Genetics Tuebingen Variant Classification Criteria Version 2. Collection method: clinical testing. Allele origin: germline. Affected: yes. Observed: 1 variant allele.
Comment: SCN2A: PM2:Supporting, BP4, BP7